The following is an entry in ClinVar:

NM_001377.3(DYNC2H1):c.7172A>G (p.Asn2391Ser)

Gene: DYNC2H1 (dynein cytoplasmic 2 heavy chain 1; plus strand). Cytogenetic location: 11q22.3.
Variant type: single nucleotide variant.
Coding change: c.7172A>G on transcript NM_001377.3 (MANE Select); coding-DNA position 7172, A replaced by G.
Protein change: p.Asn2391Ser; replaces asparagine 2391 with serine.
Molecular consequence: missense variant.
Genome position (GRCh38, 1-based): chr11:103,188,528, A>G. VCF-style: chr11-103188528-A-G. GRCh37 (hg19) VCF-style: chr11-103059257-A-G.
Other names: c.7172A>G, p.Asn2391Ser (NM_001080463.2); short protein forms N2391S.
Identifiers: ClinVar variation 1709843 (VCV001709843.1), dbSNP rs747778657, ClinGen allele CA6254175.

ClinVar aggregate classification (germline): Uncertain significance (1 of 4 stars; one submission).

Conditions:
Asphyxiating thoracic dystrophy 3. Also called: POLYDACTYLY WITH NEONATAL CHONDRODYSTROPHY, TYPE I; SHORT-RIB THORACIC DYSPLASIA 3/6 WITH POLYDACTYLY, DIGENIC; Short rib polydactyly syndrome 2B; Saldino-Noonan Syndrome; SHORT-RIB THORACIC DYSPLASIA 3 WITH OR WITHOUT POLYDACTYLY. Identifiers: Orphanet 474, Orphanet 93269, Orphanet 93270, Orphanet 93271, MedGen C0036069, MONDO:0013127, OMIM 613091.

Allele frequency attached by ClinVar (database versions not stated): gnomAD exomes below 0.00001; ExAC 0.00003.
gnomAD v4.1: 6 of 1,607,520 alleles (0.00037%); highest among the groups gnomAD compares: South Asian, 0.0056%; no homozygotes.

Submission:

MGZ Medical Genetics Center
Classification: Uncertain significance for Asphyxiating thoracic dystrophy 3. Last evaluated: 2021-06-29. Review status: criteria provided, single submitter. Criteria: ACMG Guidelines, 2015. Collection method: clinical testing. Allele origin: germline. Affected: yes. Observed: 1 variant allele.
Comment: ACMG criteria applied: PM2_SUP